The following is an entry in ClinVar:

ClinVar aggregate classification (germline): Uncertain significance (1 of 4 stars; one submission).

Conditions:
Ehlers-Danlos syndrome, classic type, 1 (EDSCL1). Also called: EHLERS-DANLOS SYNDROME, GRAVIS TYPE; EHLERS-DANLOS SYNDROME, SEVERE CLASSIC TYPE; Ehlers-Danlos syndrome, type 1; Ehlers-Danlos Syndrome, Classic Type, COL5A1-Related; EDS I. Identifiers: MedGen C0268335, MONDO:0019567, OMIM 130000.

Allele frequency attached by ClinVar (database versions not stated): TOPMed 0.00004; gnomAD exomes below 0.00001; gnomAD 0.00003.
gnomAD v4.1: 6 of 1,603,168 alleles (0.00037%); highest among the groups gnomAD compares: African/African-American, 0.008%; no homozygotes.

Submission:

Labcorp Genetics (formerly Invitae), Labcorp
Classification: Uncertain significance for Ehlers-Danlos syndrome, classic type, 1. Last evaluated: 2023-11-03. Review status: criteria provided, single submitter. Criteria: Invitae Variant Classification Sherloc (09022015). Collection method: clinical testing. Allele origin: germline.
Comment: This sequence change falls in intron 43 of the COL5A1 gene. It does not directly change the encoded amino acid sequence of the COL5A1 protein. It affects a nucleotide within the consensus splice site. The frequency data for this variant in the population databases is considered unreliable, as metrics indicate poor data quality at this position in the gnomAD database. This variant has not been reported in the literature in individuals affected with COL5A1-related conditions. Variants that disrupt the consensus splice site are a relatively common cause of aberrant splicing (PMID: 17576681, 9536098). Algorithms developed to predict the effect of sequence changes on RNA splicing suggest that this variant is not likely to affect RNA splicing. In summary, the available evidence is currently insufficient to determine the role of this variant in disease. Therefore, it has been classified as a Variant of Uncertain Significance.

Literature cited by the submitters: PubMed 17576681; PubMed 9536098.

NM_000093.5(COL5A1):c.3474+6G>A

Gene: COL5A1 (collagen type V alpha 1 chain; plus strand). Cytogenetic location: 9q34.3.
Variant type: single nucleotide variant.
Coding change: c.3474+6G>A on transcript NM_000093.5 (MANE Select); 6 bases into the intron after coding-DNA position 3474, G replaced by A.
Molecular consequence: intron variant.
Genome position (GRCh38, 1-based): chr9:134,809,296, G>A. VCF-style: chr9-134809296-G-A. GRCh37 (hg19) VCF-style: chr9-137701142-G-A.
Other names: c.3474+6G>A (NM_001278074.1).
Identifiers: ClinVar variation 2723056 (VCV002723056.3), dbSNP rs959818554, ClinGen allele CA201085332.
Genomic context (GRCh38, chr9:134,809,296, plus strand): 5'-GGGGCTCCCGGGTCCAGCTGGCCCTGTGGGTCCCCCTGGAGAAGACGGAGATAAGGTAAG[G>A]CAAATCCAGAGTGACCCATGGCTGGGCCTGGCTGGGCAGACGGGTGTGGGGGAGGGTGGT-3'